The following is an entry in ClinVar:

NM_198253.3(TERT):c.1570C>T (p.Pro524Ser)

Gene: TERT (telomerase reverse transcriptase; minus strand). Cytogenetic location: 5p15.33.
Variant type: single nucleotide variant.
Coding change: c.1570C>T on transcript NM_198253.3 (MANE Select); coding-DNA position 1570, C replaced by T.
Protein change: p.Pro524Ser; replaces proline 524 with serine.
Molecular consequence: missense variant. On other transcripts: non-coding transcript variant (2).
Genome position (GRCh38, 1-based): chr5:1,293,316, G>A on the plus strand (C>T on the coding strand, the complement: TERT is on the minus strand). VCF-style: chr5-1293316-G-A. GRCh37 (hg19) VCF-style: chr5-1293431-G-A.
Other names: c.1570C>T (NM_198253.2); c.1570C>T, p.Pro524Ser (NM_001193376.3); short protein forms P524S.
Identifiers: ClinVar variation 1381857 (VCV001381857.7), dbSNP rs898648592, ClinGen allele CA359085006.
Genomic context (GRCh38, chr5:1,293,316, plus strand): 5'-AGCCCCTACTGCATTCAGCTCTGGGGCCTGGGCCCTCGACGGCCACCACCTCCTCACCTG[G>A]GCTCCTGCGCAGCCAAGCGCAGTCCCGCACGCTCATCTTCCACGTCAGCTCCTGCAGCGA-3'
Protein context (NP_937983.2, residues 514-534): VRDCAWLRRS[Pro524Ser]GVGCVPAAEH

ClinVar aggregate classification (germline): Uncertain significance. Review status: criteria provided, multiple submitters, no conflicts (2 of 4 stars). 2 submissions from 2 submitters: Uncertain significance (2). Last evaluated 2024-08-10.

Conditions:
Idiopathic Pulmonary Fibrosis. Also called: Idiopathic fibrosing alveolitis, chronic form; idiopathic fibrosing alveolitis. Identifiers: Orphanet 2032, MedGen C1800706, MeSH D054990, MONDO:0800504.
Dyskeratosis congenita, autosomal dominant 2. Identifiers: MedGen C3151443, MONDO:0013521, OMIM 613989.
Dyskeratosis congenita. Identifiers: Orphanet 1775, MedGen C0265965, MONDO:0015780.

Submissions (2):

Ambry Genetics
Classification: Uncertain significance for Dyskeratosis congenita. Last evaluated: 2024-08-10. Review status: criteria provided, single submitter. Criteria: Ambry Variant Classification Scheme 2023. Collection method: clinical testing. Allele origin: germline.
Comment: The p.P524S variant (also known as c.1570C>T), located in coding exon 2 of the TERT gene, results from a C to T substitution at nucleotide position 1570. The proline at codon 524 is replaced by serine, an amino acid with similar properties. This amino acid position is conserved. In addition, the in silico prediction for this alteration is inconclusive. Based on the available evidence, the clinical significance of this variant remains unclear.

Labcorp Genetics (formerly Invitae), Labcorp
Classification: Uncertain significance for Dyskeratosis congenita, autosomal dominant 2; Idiopathic Pulmonary Fibrosis. Last evaluated: 2024-05-20. Review status: criteria provided, single submitter. Criteria: Invitae Variant Classification Sherloc (09022015). Collection method: clinical testing. Allele origin: germline.
Comment: This sequence change replaces proline, which is neutral and non-polar, with serine, which is neutral and polar, at codon 524 of the TERT protein (p.Pro524Ser). This variant is not present in population databases (gnomAD no frequency). This variant has not been reported in the literature in individuals affected with TERT-related conditions. ClinVar contains an entry for this variant (Variation ID: 1381857). Advanced modeling of protein sequence and biophysical properties (such as structural, functional, and spatial information, amino acid conservation, physicochemical variation, residue mobility, and thermodynamic stability) performed at Invitae indicates that this missense variant is expected to disrupt TERT protein function with a positive predictive value of 95%. In summary, the available evidence is currently insufficient to determine the role of this variant in disease. Therefore, it has been classified as a Variant of Uncertain Significance.